The following is an entry in ClinVar:

NM_001281740.3(FHOD3):c.539A>T (p.Asp180Val)

Gene: FHOD3 (formin homology 2 domain containing 3; plus strand). Cytogenetic location: 18q12.2.
Variant type: single nucleotide variant.
Coding change: c.539A>T on transcript NM_001281740.3 (MANE Select); coding-DNA position 539, A replaced by T.
Protein change: p.Asp180Val; replaces aspartic acid 180 with valine.
Molecular consequence: missense variant.
Genome position (GRCh38, 1-based): chr18:36,576,478, A>T. VCF-style: chr18-36576478-A-T. GRCh37 (hg19) VCF-style: chr18-34156441-A-T.
Other names: c.539A>T, p.Asp180Val (NM_001281739.3, NM_025135.5); short protein forms D180V.
Identifiers: ClinVar variation 3901681 (VCV003901681.1).
Genomic context (GRCh38, chr18:36,576,478, plus strand): 5'-TATAATGTCTCCTTTTTCTCTTGTTTTCTGTAGCTTTGGGCCAGATTATGTTGTATGTGG[A>T]TGGAATGAATGGAGTAATAAACCGCAATGAAACCATTCAGTGGCTGTACACTCTCATTGG-3'
Protein context (NP_001268669.1, residues 170-190): RALGQIMLYV[Asp180Val]GMNGVINRNE

ClinVar aggregate classification (germline): Uncertain significance (1 of 4 stars; one submission).

Submission:

GeneDx
Classification: Uncertain significance. Last evaluated: 2024-11-27. Review status: criteria provided, single submitter. Criteria: GeneDx Variant Classification Process June 2021. Collection method: clinical testing. Allele origin: germline. Affected: yes.
Comment: Not observed at significant frequency in large population cohorts (gnomAD); In silico analysis supports that this missense variant has a deleterious effect on protein structure/function; Has not been previously published as pathogenic or benign to our knowledge